The following is an entry in ClinVar:

ClinVar aggregate classification (germline): Uncertain significance (1 of 4 stars; one submission).

Conditions:
Alstrom syndrome (ALMS). Identifiers: Orphanet 64, MedGen C0268425, MONDO:0008763, OMIM 203800.

Allele frequency attached by ClinVar (database versions not stated): gnomAD exomes below 0.00001.
gnomAD v4.1: 1 of 1,542,314 alleles (0.000065%); highest among the groups gnomAD compares: Admixed American, 0.002%; no homozygotes.

Submission:

Labcorp Genetics (formerly Invitae), Labcorp
Classification: Uncertain significance for Alstrom syndrome. Last evaluated: 2022-07-05. Review status: criteria provided, single submitter. Criteria: Invitae Variant Classification Sherloc (09022015). Collection method: clinical testing. Allele origin: germline.
Comment: This sequence change replaces serine, which is neutral and polar, with tyrosine, which is neutral and polar, at codon 106 of the ALMS1 protein (p.Ser106Tyr). The frequency data for this variant in the population databases is considered unreliable, as metrics indicate poor data quality at this position in the gnomAD database. This variant has not been reported in the literature in individuals affected with ALMS1-related conditions. ClinVar contains an entry for this variant (Variation ID: 1500170). Experimental studies and prediction algorithms are not available or were not evaluated, and the functional significance of this variant is currently unknown. In summary, the available evidence is currently insufficient to determine the role of this variant in disease. Therefore, it has been classified as a Variant of Uncertain Significance.

NM_001378454.1(ALMS1):c.314C>A (p.Ser105Tyr)

Gene: ALMS1 (ALMS1 centrosome and basal body associated protein; plus strand). Cytogenetic location: 2p13.1.
Variant type: single nucleotide variant.
Coding change: c.314C>A on transcript NM_001378454.1 (MANE Select); coding-DNA position 314, C replaced by A.
Protein change: p.Ser105Tyr; replaces serine 105 with tyrosine.
Molecular consequence: missense variant.
Genome position (GRCh38, 1-based): chr2:73,386,182, C>A. VCF-style: chr2-73386182-C-A. GRCh37 (hg19) VCF-style: chr2-73613310-C-A.
Other names: c.317C>A, p.Ser106Tyr (NM_015120.4); short protein forms S105Y, S106Y.
Identifiers: ClinVar variation 1500170 (VCV001500170.3), dbSNP rs1328427718, ClinGen allele CA347251054.